The following is an entry in ClinVar:

NM_001853.4(COL9A3):c.1016C>A (p.Pro339His)

Gene: COL9A3 (collagen type IX alpha 3 chain; plus strand). Cytogenetic location: 20q13.33.
Variant type: single nucleotide variant.
Coding change: c.1016C>A on transcript NM_001853.4 (MANE Select); coding-DNA position 1016, C replaced by A.
Protein change: p.Pro339His; replaces proline 339 with histidine.
Molecular consequence: missense variant.
Genome position (GRCh38, 1-based): chr20:62,829,462, C>A. VCF-style: chr20-62829462-C-A. GRCh37 (hg19) VCF-style: chr20-61460814-C-A.
Other names: short protein forms P339H.
Identifiers: ClinVar variation 4779149 (VCV004779149.1).

ClinVar aggregate classification (germline): Uncertain significance (1 of 4 stars; one submission).

Submission:

Labcorp Genetics (formerly Invitae), Labcorp
Classification: Uncertain significance. Last evaluated: 2025-11-19. Review status: criteria provided, single submitter. Criteria: Invitae Variant Classification Sherloc (09022015). Collection method: clinical testing. Allele origin: germline.
Comment: This sequence change replaces proline, which is neutral and non-polar, with histidine, which is basic and polar, at codon 339 of the COL9A3 protein (p.Pro339His). This variant is not present in population databases (gnomAD no frequency). This variant has not been reported in the literature in individuals affected with COL9A3-related conditions. Invitae Evidence Modeling of protein sequence and biophysical properties (such as structural, functional, and spatial information, amino acid conservation, physicochemical variation, residue mobility, and thermodynamic stability) indicates that this missense variant is not expected to disrupt COL9A3 protein function with a negative predictive value of 95%. In summary, the available evidence is currently insufficient to determine the role of this variant in disease. Therefore, it has been classified as a Variant of Uncertain Significance.